The following is an entry in ClinVar:

NM_003072.5(SMARCA4):c.255G>A (p.Ser85=)

Gene: SMARCA4 (SWI/SNF related BAF chromatin remodeling complex subunit ATPase 4; plus strand). Cytogenetic location: 19p13.2.
Variant type: single nucleotide variant.
Coding change: c.255G>A on transcript NM_003072.5 (MANE Select); coding-DNA position 255, G replaced by A.
Protein change: p.Ser85=; no amino-acid change (serine 85 retained).
Molecular consequence: synonymous variant. On other transcripts: non-coding transcript variant (1).
Genome position (GRCh38, 1-based): chr19:10,985,305, G>A. VCF-style: chr19-10985305-G-A. GRCh37 (hg19) VCF-style: chr19-11095981-G-A.
Other names: c.255G>A, p.Ser85= (NM_001128844.3, NM_001128845.2, NM_001128846.2 and 5 more transcripts).
Identifiers: ClinVar variation 238407 (VCV000238407.18), dbSNP rs878854211, ClinGen allele CA10583714.

ClinVar aggregate classification (germline): Benign/Likely benign. Review status: criteria provided, multiple submitters, no conflicts (2 of 4 stars). 4 submissions from 4 submitters: Benign (1); Likely benign (3). Last evaluated 2026-07-08.

Conditions:
Hereditary cancer-predisposing syndrome. Also called: Hereditary Cancer Syndrome; Tumor predisposition; Hereditary neoplastic syndrome; Neoplastic Syndromes, Hereditary. Identifiers: Orphanet 140162, MedGen C0027672, MeSH D009386, MONDO:0015356.
Rhabdoid tumor predisposition syndrome 2 (RTPS2). Identifiers: Orphanet 231108, Orphanet 69077, MedGen C2750074, MONDO:0013224, OMIM 613325.

Allele frequency attached by ClinVar (database versions not stated): gnomAD 0.00002; gnomAD exomes below 0.00001; TOPMed 0.00001.
gnomAD v4.1: 8 of 1,613,898 alleles (0.0005%); highest among the groups gnomAD compares: African/African-American, 0.0053%; no homozygotes.

Submissions (4):

Myriad Genetics, Inc.
Classification: Benign for Rhabdoid tumor predisposition syndrome 2. Last evaluated: 2026-07-08. Review status: criteria provided, single submitter. Criteria: Myriad Autosomal Dominant, Autosomal Recessive and X-Linked Classification Criteria (2023). Collection method: clinical testing. Allele origin: unknown.
Comment: This variant is considered benign. This variant is a silent/synonymous amino acid change and it is not expected to impact splicing.

Labcorp Genetics (formerly Invitae), Labcorp
Classification: Likely benign for Rhabdoid tumor predisposition syndrome 2. Last evaluated: 2026-01-29. Review status: criteria provided, single submitter. Criteria: Invitae Variant Classification Sherloc (09022015). Collection method: clinical testing. Allele origin: germline.

Quest Diagnostics Nichols Institute San Juan Capistrano
Classification: Likely benign. Last evaluated: 2024-12-16. Review status: criteria provided, single submitter. Criteria: Quest Diagnostics criteria. Collection method: clinical testing. Allele origin: unknown.

Ambry Genetics
Classification: Likely benign for Hereditary cancer-predisposing syndrome. Last evaluated: 2016-09-29. Review status: criteria provided, single submitter. Criteria: Ambry Variant Classification Scheme 2023. Collection method: clinical testing. Allele origin: germline.